The following is an entry in ClinVar:

ClinVar aggregate classification (germline): Likely benign (0 of 4 stars; one submission).

Conditions:
PLCD1-related disorder. Also called: PLCD1-related condition.

Allele frequency attached by ClinVar (database versions not stated): ExAC 0.00017; TOPMed 0.00031; gnomAD 0.00032; gnomAD exomes 0.00051; ESP Exome Variant Server 0.00069.
gnomAD v4.1: 811 of 1,614,064 alleles (0.05%); highest among the groups gnomAD compares: Non-Finnish European, 0.062%; 1 homozygote.

Submission:

PreventionGenetics, part of Exact Sciences
Classification: Likely benign for PLCD1-related condition. Last evaluated: 2019-04-05. Review status: no assertion criteria provided. Collection method: clinical testing. Allele origin: germline.
Comment: This variant is classified as likely benign based on ACMG/AMP sequence variant interpretation guidelines (Richards et al. 2015 PMID: 25741868, with internal and published modifications).

NM_006225.4(PLCD1):c.1644C>T (p.Ser548=)

Gene: PLCD1 (phospholipase C delta 1; minus strand). Cytogenetic location: 3p22.2.
Variant type: single nucleotide variant.
Coding change: c.1644C>T on transcript NM_006225.4 (MANE Select); coding-DNA position 1644, C replaced by T.
Protein change: p.Ser548=; no amino-acid change (serine 548 retained).
Molecular consequence: synonymous variant. On other transcripts: non-coding transcript variant (1).
Genome position (GRCh38, 1-based): chr3:38,009,121, G>A on the plus strand (C>T on the coding strand, the complement: PLCD1 is on the minus strand). VCF-style: chr3-38009121-G-A. GRCh37 (hg19) VCF-style: chr3-38050612-G-A.
Other names: c.1707C>T, p.Ser569= (NM_001130964.2).
Identifiers: ClinVar variation 3044078 (VCV003044078.2), dbSNP rs113896726, ClinGen allele CA2312965.